The following continues an entry in ClinVar:

NM_000051.4(ATM):c.5189G>A (p.Arg1730Gln)

Gene: ATM. ClinVar aggregate classification (germline): Uncertain significance. Uncertain significance (14).

Submissions 12 to 16 of 16:

Laboratorio de Genetica e Diagnostico Molecular, Hospital Israelita Albert Einstein
Classification: Uncertain significance for Familial cancer of breast. Last evaluated: 2021-07-13. Review status: criteria provided, single submitter. Criteria: ACMG Guidelines, 2015. Collection method: clinical testing. Allele origin: germline. Affected: yes.
Comment: ACMG classification criteria: PM2 moderate

Genome-Nilou Lab
Classification: Uncertain significance for Ataxia-telangiectasia syndrome. Last evaluated: 2021-06-10. Review status: criteria provided, single submitter. Criteria: ACMG Guidelines, 2015. Collection method: clinical testing. Allele origin: germline. Affected: no.

Mendelics
Classification: Uncertain significance for Ataxia-telangiectasia syndrome. Last evaluated: 2019-05-28. Review status: criteria provided, single submitter. Criteria: Mendelics Assertion Criteria 2017. Collection method: clinical testing. Allele origin: unknown.

Natera, Inc.
Classification: Uncertain significance for Ataxia-telangiectasia. Last evaluated: 2020-03-10. Review status: no assertion criteria provided. Collection method: clinical testing. Allele origin: germline. Not counted in ClinVar's aggregate classification.

Department of Pathology and Laboratory Medicine, Sinai Health System
Classification: Uncertain significance for Ataxia-telangiectasia syndrome. Review status: no assertion criteria provided. Collection method: clinical testing. Allele origin: unknown. Affected: yes. Study: The Canadian Open Genetics Repository (COGR). Not counted in ClinVar's aggregate classification.
Comment: The ATM p.Arg1730Gln variant was not identified in the literature nor was it identified in the Genesight-COGR, Cosmic, and LOVD 3.0 (not available). The variant was identified in dbSNP (ID: rs373789346) â€šÃ„ÃºWith Uncertain significance alleleâ€šÃ„Ã¹, ClinVar (classified uncertain significance by GeneDx, Ambry Genetics and Invitae), Clinvitae (3x), and in control databases in 5 of 276816 chromosomes at a frequency of 0.00002 increasing the likelihood that this may be a low frequency benign variant in certain populations of origin (Genome Aggregation Consortium Feb 27, 2017), being identified in the following population: European Non-Finnish in 5 of 126368 chromosomes (frequency: 0.00004). The p.Arg1730 residue is conserved in mammals and computational analyses (PolyPhen-2, SIFT, AlignGVGD, BLOSUM, MutationTaster) provide inconsistent predictions regarding the Gln variant impact to the protein; this information is not very predictive of pathogenicity. The variant occurs outside of the splicing consensus sequence and 1 of 5 in silico or computational prediction software programs (SpliceSiteFinder, MaxEntScan, NNSPLICE, GeneSplicer, HumanSpliceFinder) predict a greater than 10% difference in splicing; this is not very predictive of pathogenicity. In summary, based on the above information the clinical significance of this variant cannot be determined with certainty at this time. This variant is classified as a variant of uncertain significance.

Literature cited by the submitters: PubMed 28652578 (cited by 5 submitters); PubMed 30287823 (cited by 5 submitters); PubMed 35534704 (cited by Labcorp Genetics (formerly Invitae), Labcorp); PubMed 30093976 (cited by 5 submitters); PubMed 22071889 (cited by Ambry Genetics); PubMed 29665859 (cited by Ambry Genetics); PubMed 32885271 (cited by Ambry Genetics); PubMed 29642553 (cited by Women's Health and Genetics/Laboratory Corporation of America, LabCorp and Athena Diagnostics); PubMed 31422574 (cited by Women's Health and Genetics/Laboratory Corporation of America, LabCorp); PubMed 33176972 (cited by Women's Health and Genetics/Laboratory Corporation of America, LabCorp); PubMed 32980694 (cited by Sema4).